The following is an entry in ClinVar:

NM_018006.5(TRMU):c.675dup (p.Lys226fs)

Gene: TRMU (tRNA mitochondrial 2-thiouridylase; plus strand). Cytogenetic location: 22q13.31.
Variant type: Duplication.
Coding change: c.675dup on transcript NM_018006.5 (MANE Select); coding-DNA position 675, one base duplicated (G; older notation c.675dupG).
Protein change: p.Lys226fs; shifts the reading frame from lysine 226.
Molecular consequence: frameshift variant. On other transcripts: non-coding transcript variant (2).
Genome position (GRCh38, 1-based): chr22:46,352,144, G duplicated; the last of 3 consecutive G bases (chr22:46,352,142-46,352,144); duplicating any one gives the same sequence. VCF-style (leftmost placement, unchanged base first): chr22-46352141-C-CG. GRCh37 (hg19) VCF-style: chr22-46748038-C-CG.
Other names: c.333dup, p.Lys112fs (NM_001282782.2); c.255dup, p.Lys86fs (NM_001282783.2, NM_001282784.2); c.675dup, p.Lys226fs (NM_001282785.2); short protein forms K112fs, K226fs, K86fs.
Identifiers: ClinVar variation 4815997 (VCV004815997.1).

ClinVar aggregate classification (germline): Likely pathogenic (1 of 4 stars; one submission).

Conditions:
Acute infantile liver failure due to synthesis defect of mtDNA-encoded proteins. Also called: Liver failure acute infantile; LIVER FAILURE, INFANTILE, TRANSIENT; TRMU Deficiency. Identifiers: Orphanet 217371, MedGen C3278664, MONDO:0013111, OMIM 613070.

Submission:

Natera, Inc.
Classification: Likely pathogenic for Acute infantile liver failure due to synthesis defect of mtDNA-encoded proteins. Last evaluated: 2024-11-21. Review status: criteria provided, single submitter. Criteria: Natera Variant Classification Schema (03/2026). Collection method: clinical testing. Allele origin: germline.
Comment: The c.675dup variant in TRMU is a frameshift variant predicted to shift the reading frame beginning at codon 226 and leads to a stop codon 5 codons downstream. This variant is expected to result in nonsense mediated decay, truncation, or a dysfunctional protein product. This variant is rare in the general population with a frequency below the threshold expected for the associated phenotype(s). Given the available evidence, this variant is classified as Likely Pathogenic.